The following is an entry in ClinVar:

NM_006421.5(ARFGEF1):c.3452C>T (p.Ser1151Phe)

Gene: ARFGEF1 (ARF guanine nucleotide exchange factor 1; minus strand). Cytogenetic location: 8q13.2.
Variant type: single nucleotide variant.
Coding change: c.3452C>T on transcript NM_006421.5 (MANE Select); coding-DNA position 3452, C replaced by T.
Protein change: p.Ser1151Phe; replaces serine 1151 with phenylalanine.
Molecular consequence: missense variant. On other transcripts: non-coding transcript variant (1).
Genome position (GRCh38, 1-based): chr8:67,228,102, G>A on the plus strand (C>T on the coding strand, the complement: ARFGEF1 is on the minus strand). VCF-style: chr8-67228102-G-A. GRCh37 (hg19) VCF-style: chr8-68140337-G-A.
Other names: c.3452C>T, p.Ser1151Phe (NM_001413184.1, NM_001413185.1, NM_001413186.1 and 6 more transcripts); c.2852C>T, p.Ser951Phe (NM_001413188.1, NM_001413193.1, NM_001413197.1); c.3446C>T, p.Ser1149Phe (NM_001413190.1); c.2027C>T, p.Ser676Phe (NM_001413196.1); short protein forms S1149F, S1151F, S676F, S951F.
Identifiers: ClinVar variation 4076720 (VCV004076720.1).
Genomic context (GRCh38, chr8:67,228,102, plus strand): 5'-TCTACTATTTTTTGTAGACTAAACATTCTTGGGTGTGTCGTGGAAAGTAATTCATCCATA[G>A]ACACAGCACAGAGCCAACGGACAAAATCCACTGTAATATAAATACATTTTTTTTTTAGCT-3'
Protein context (NP_006412.2, residues 1141-1161): VDFVRWLCAV[Ser1151Phe]MDELLSTTHP

ClinVar aggregate classification (germline): Uncertain significance (1 of 4 stars; one submission).

Submission:

GeneDx
Classification: Uncertain significance. Last evaluated: 2025-02-18. Review status: criteria provided, single submitter. Criteria: GeneDx Variant Classification Process June 2021. Collection method: clinical testing. Allele origin: germline. Affected: yes.
Comment: Not observed at significant frequency in large population cohorts (gnomAD); In silico analysis supports that this missense variant has a deleterious effect on protein structure/function; Has not been previously published as pathogenic or benign to our knowledge